The following is an entry in ClinVar:

ClinVar aggregate classification (germline): Pathogenic (1 of 4 stars; one submission).

Conditions:
Hereditary hemorrhagic telangiectasia (HHT). Also called: ORW DISEASE; Osler Weber Rendu syndrome; OSLER-RENDU-WEBER DISEASE; Osler hemorrhagic telangiectasia syndrome. Identifiers: Orphanet 774, MedGen C0039445, MONDO:0019180. Disease mechanism: loss of function.

Submission:

Labcorp Genetics (formerly Invitae), Labcorp
Classification: Pathogenic for Hereditary hemorrhagic telangiectasia. Last evaluated: 2021-07-13. Review status: criteria provided, single submitter. Criteria: Invitae Variant Classification Sherloc (09022015). Collection method: clinical testing. Allele origin: germline.
Comment: This variant has not been reported in the literature in individuals affected with ENG-related conditions. This variant is not present in population databases (ExAC no frequency). This sequence change creates a premature translational stop signal (p.Ala308Glyfs*26) in the ENG gene. It is expected to result in an absent or disrupted protein product. Loss-of-function variants in ENG are known to be pathogenic (PMID: 15879500). For these reasons, this variant has been classified as Pathogenic.

Literature cited by the submitters: PubMed 15879500.

NM_001114753.3(ENG):c.922dup (p.Ala308fs)

Gene: ENG (endoglin; minus strand). Cytogenetic location: 9q34.11.
Variant type: Duplication.
Coding change: c.922dup on transcript NM_001114753.3 (MANE Select); coding-DNA position 922, one base duplicated (G; older notation c.922dupG).
Protein change: p.Ala308fs; shifts the reading frame from alanine 308.
Molecular consequence: frameshift variant.
Genome position (GRCh38, 1-based): chr9:127,824,869, C duplicated on the plus strand (G on the coding strand, the reverse complement: ENG is on the minus strand). VCF-style (leftmost placement, unchanged base first): chr9-127824868-G-GC. GRCh37 (hg19) VCF-style: chr9-130587147-G-GC.
Other names: c.922dup, p.Ala308Glyfs (NM_000118.4, NM_001406715.1); c.376dup, p.Ala126fs (NM_001278138.2); short protein forms A308fs, A126fs.
Identifiers: ClinVar variation 1457740 (VCV001457740.8), dbSNP rs2131886942, ClinGen allele CA2573143967.